The following is an entry in ClinVar:

NM_176824.3(BBS7):c.349T>G (p.Ser117Ala)

Gene: BBS7 (Bardet-Biedl syndrome 7; minus strand). Cytogenetic location: 4q27.
Variant type: single nucleotide variant.
Coding change: c.349T>G on transcript NM_176824.3 (MANE Select); coding-DNA position 349, T replaced by G.
Protein change: p.Ser117Ala; replaces serine 117 with alanine.
Molecular consequence: missense variant.
Genome position (GRCh38, 1-based): chr4:121,859,171, A>C on the plus strand (T>G on the coding strand, the complement: BBS7 is on the minus strand). VCF-style: chr4-121859171-A-C. GRCh37 (hg19) VCF-style: chr4-122780326-A-C.
Other names: c.349T>G, p.Ser117Ala (NM_018190.4); short protein forms S117A.
Identifiers: ClinVar variation 3700529 (VCV003700529.2).

ClinVar aggregate classification (germline): Uncertain significance (1 of 4 stars; one submission).

Conditions:
Bardet-Biedl syndrome (BBS). Identifiers: Orphanet 110, MedGen C0752166, MONDO:0015229.

gnomAD v4.1: 2 of 1,613,672 alleles (0.00012%); highest among the groups gnomAD compares: Non-Finnish European, 0.00017%; no homozygotes.

Submission:

Labcorp Genetics (formerly Invitae), Labcorp
Classification: Uncertain significance for Bardet-Biedl syndrome. Last evaluated: 2024-10-25. Review status: criteria provided, single submitter. Criteria: Invitae Variant Classification Sherloc (09022015). Collection method: clinical testing. Allele origin: germline.
Comment: This sequence change replaces serine, which is neutral and polar, with alanine, which is neutral and non-polar, at codon 117 of the BBS7 protein (p.Ser117Ala). This variant is present in population databases (rs771089464, gnomAD 0.0009%). This variant has not been reported in the literature in individuals affected with BBS7-related conditions. Invitae Evidence Modeling of protein sequence and biophysical properties (such as structural, functional, and spatial information, amino acid conservation, physicochemical variation, residue mobility, and thermodynamic stability) indicates that this missense variant is not expected to disrupt BBS7 protein function with a negative predictive value of 80%. In summary, the available evidence is currently insufficient to determine the role of this variant in disease. Therefore, it has been classified as a Variant of Uncertain Significance.